The following is an entry in ClinVar:

NM_001042492.3(NF1):c.920T>G (p.Leu307Arg)

Gene: NF1 (neurofibromin 1; plus strand). Cytogenetic location: 17q11.2.
Variant type: single nucleotide variant.
Coding change: c.920T>G on transcript NM_001042492.3 (MANE Select); coding-DNA position 920, T replaced by G.
Protein change: p.Leu307Arg; replaces leucine 307 with arginine.
Molecular consequence: missense variant.
Genome position (GRCh38, 1-based): chr17:31,200,453, T>G. VCF-style: chr17-31200453-T-G. GRCh37 (hg19) VCF-style: chr17-29527471-T-G.
Other names: c.920T>G, p.Leu307Arg (NM_000267.4, NM_001128147.3); short protein forms L307R.
Identifiers: ClinVar variation 4119061 (VCV004119061.1).
Genomic context (GRCh38, chr17:31,200,453, plus strand): 5'-TATCTTATCGCTATATTTGAATTCTGTAGAAGTTATTTCTGGACAGTCTACGAAAAGCTC[T>G]TGCTGGCCATGGAGGAAGTAGGCAGCTGACAGAAAGTGCTGCAATTGCCTGTGTCAAACT-3'
Protein context (NP_001035957.1, residues 297-317): KLFLDSLRKA[Leu307Arg]AGHGGSRQLT

ClinVar aggregate classification (germline): Uncertain significance (1 of 4 stars; one submission).

Conditions:
Cardiovascular phenotype. Identifiers: MedGen CN230736.
Hereditary cancer-predisposing syndrome. Also called: Hereditary neoplastic syndrome; Neoplastic Syndromes, Hereditary; Tumor predisposition; Hereditary Cancer Syndrome. Identifiers: Orphanet 140162, MedGen C0027672, MeSH D009386, MONDO:0015356.

Submission:

Ambry Genetics
Classification: Uncertain significance for Cardiovascular phenotype; Hereditary cancer-predisposing syndrome. Last evaluated: 2025-06-20. Review status: criteria provided, single submitter. Criteria: Ambry Variant Classification Scheme 2023. Collection method: clinical testing. Allele origin: germline.
Comment: The p.L307R variant (also known as c.920T>G), located in coding exon 9 of the NF1 gene, results from a T to G substitution at nucleotide position 920. The leucine at codon 307 is replaced by arginine, an amino acid with dissimilar properties. This amino acid position is conserved. In addition, this alteration is predicted to be deleterious by in silico analysis. Based on the available evidence, the clinical significance of this variant remains unclear.